The following is an entry in ClinVar:

ClinVar aggregate classification (germline): Uncertain significance. Review status: criteria provided, multiple submitters, no conflicts (2 of 4 stars). 3 submissions from 3 submitters: Uncertain significance (3). Last evaluated 2023-08-31.

Conditions:
Myopathy, centronuclear, 5 (CNM5). Identifiers: Orphanet 169186, MedGen C4014814, MONDO:0014418, OMIM 615959.
Inborn genetic diseases. Identifiers: MedGen C0950123, MeSH D030342.

Allele frequency attached by ClinVar (database versions not stated): 1000 Genomes Project 30x 0.00031.
gnomAD v4.1: 141 of 1,614,142 alleles (0.0087%); highest among the groups gnomAD compares: African/African-American, 0.13%; no homozygotes.

Submissions (3):

Revvity Omics, Revvity
Classification: Uncertain significance for Myopathy, centronuclear, 5. Last evaluated: 2023-08-31. Review status: criteria provided, single submitter. Criteria: ACMG Guidelines, 2015. Collection method: clinical testing. Allele origin: germline.

Labcorp Genetics (formerly Invitae), Labcorp
Classification: Uncertain significance. Last evaluated: 2022-10-25. Review status: criteria provided, single submitter. Criteria: Invitae Variant Classification Sherloc (09022015). Collection method: clinical testing. Allele origin: germline.
Comment: This sequence change replaces arginine, which is basic and polar, with cysteine, which is neutral and slightly polar, at codon 1667 of the SPEG protein (p.Arg1667Cys). This variant is present in population databases (rs149716323, gnomAD 0.1%). This variant has not been reported in the literature in individuals affected with SPEG-related conditions. ClinVar contains an entry for this variant (Variation ID: 1509766). Algorithms developed to predict the effect of missense changes on protein structure and function (SIFT, PolyPhen-2, Align-GVGD) all suggest that this variant is likely to be disruptive. Algorithms developed to predict the effect of sequence changes on RNA splicing suggest that this variant may create or strengthen a splice site. In summary, the available evidence is currently insufficient to determine the role of this variant in disease. Therefore, it has been classified as a Variant of Uncertain Significance.

Ambry Genetics
Classification: Uncertain significance for Inborn genetic diseases. Last evaluated: 2021-09-17. Review status: criteria provided, single submitter. Criteria: Ambry Variant Classification Scheme 2023. Collection method: clinical testing. Allele origin: germline.

NM_005876.5(SPEG):c.4999C>T (p.Arg1667Cys)

Gene: SPEG (striated muscle enriched protein kinase; plus strand). Cytogenetic location: 2q35.
Variant type: single nucleotide variant.
Coding change: c.4999C>T on transcript NM_005876.5 (MANE Select); coding-DNA position 4999, C replaced by T.
Protein change: p.Arg1667Cys; replaces arginine 1667 with cysteine.
Molecular consequence: missense variant.
Genome position (GRCh38, 1-based): chr2:219,478,077, C>T. VCF-style: chr2-219478077-C-T. GRCh37 (hg19) VCF-style: chr2-220342799-C-T.
Other names: c.4999C>T (NM_005876.4); short protein forms R1667C.
Identifiers: ClinVar variation 1509766 (VCV001509766.5), dbSNP rs149716323, ClinGen allele CA2126689.
Genomic context (GRCh38, chr2:219,478,077, plus strand): 5'-CGGCTGCTGGCCAGGCTCCAGCACGACTGTGTCCTCTACTTCCATGAGGCCTTCGAGAGG[C>T]GCCGGGGACTGGTCATTGTCACCGAGCTGTATCCTGGGACAGGCTGGGGGCTAGGGGGAT-3'
Protein context (NP_005867.3, residues 1657-1677): VLYFHEAFER[Arg1667Cys]RGLVIVTELC